The following is an entry in ClinVar:

ClinVar aggregate classification (germline): Uncertain significance (1 of 4 stars; one submission).

Allele frequency attached by ClinVar (database versions not stated): gnomAD exomes below 0.00001.
gnomAD v4.1: 1 of 1,570,486 alleles (0.000064%); highest among the groups gnomAD compares: Non-Finnish European, 0.000086%; no homozygotes.

Submission:

Ambry Genetics
Classification: Uncertain significance. Last evaluated: 2022-11-15. Review status: criteria provided, single submitter. Criteria: Ambry Variant Classification Scheme 2023. Collection method: clinical testing. Allele origin: germline.
Comment: The p.G77D variant (also known as c.230G>A), located in coding exon 2 of the SLMAP gene, results from a G to A substitution at nucleotide position 230. The glycine at codon 77 is replaced by aspartic acid, an amino acid with similar properties. This amino acid position is conserved. In addition, this alteration is predicted to be deleterious by in silico analysis. Since supporting evidence is limited at this time, the clinical significance of this alteration remains unclear.

NM_001377540.1(SLMAP):c.230G>A (p.Gly77Asp)

Gene: SLMAP (sarcolemma associated protein; plus strand). Cytogenetic location: 3p14.3.
Variant type: single nucleotide variant.
Coding change: c.230G>A on transcript NM_001377540.1 (MANE Select); coding-DNA position 230, G replaced by A.
Protein change: p.Gly77Asp; replaces glycine 77 with aspartic acid.
Molecular consequence: missense variant. On other transcripts: non-coding transcript variant (1).
Genome position (GRCh38, 1-based): chr3:57,831,414, G>A. VCF-style: chr3-57831414-G-A. GRCh37 (hg19) VCF-style: chr3-57817141-G-A.
Other names: c.230G>A, p.Gly77Asp (NM_001304420.3, NM_001304421.2, NM_001377538.1 and 17 more transcripts); short protein forms G77D.
Identifiers: ClinVar variation 2447996 (VCV002447996.2), dbSNP rs2472134982, ClinGen allele CA353404129.
Genomic context (GRCh38, chr3:57,831,414, plus strand): 5'-CCCTTTTTTGTTTTTGTTTTTTTTTGCAGTTTTATCTTCAAGACACTAAAAGTAGTAATG[G>A]TACTTTTATAAATAGCCAGAGATTGAGTCGAGGCTCTGAAGAAAGTCCACCATGTGAAAT-3'
Protein context (NP_001364469.1, residues 67-87): FYLQDTKSSN[Gly77Asp]TFINSQRLSR